The following is an entry in ClinVar:

ClinVar aggregate classification (germline): Likely benign. Review status: criteria provided, multiple submitters, no conflicts (2 of 4 stars). 2 submissions from 2 submitters: Likely benign (2). Last evaluated 2026-03-01.

Conditions:
Epilepsy, progressive myoclonic, 1B. Also called: PME. Identifiers: Orphanet 308, MedGen C2676254, MONDO:0012904, OMIM 612437.

Allele frequency attached by ClinVar (database versions not stated): gnomAD 0.00002; TOPMed 0.00002; gnomAD exomes 0.00003 and 0.00008; ExAC 0.00004.
gnomAD v4.1: 126 of 1,613,930 alleles (0.0078%); highest among the groups gnomAD compares: Non-Finnish European, 0.0096%; no homozygotes.

Submissions (2):

CeGaT Center for Human Genetics Tuebingen
Classification: Likely benign. Last evaluated: 2026-03-01. Review status: criteria provided, single submitter. Criteria: CeGaT Center For Human Genetics Tuebingen Variant Classification Criteria Version 2. Collection method: clinical testing. Allele origin: germline. Affected: yes. Observed: 1 variant allele.
Comment: PRICKLE1: BP4, BP7

Labcorp Genetics (formerly Invitae), Labcorp
Classification: Likely benign for Epilepsy, progressive myoclonic, 1B. Last evaluated: 2025-05-27. Review status: criteria provided, single submitter. Criteria: Invitae Variant Classification Sherloc (09022015). Collection method: clinical testing. Allele origin: germline.

NM_153026.3(PRICKLE1):c.99C>T (p.Tyr33=)

Gene: PRICKLE1 (prickle planar cell polarity protein 1; minus strand). Cytogenetic location: 12q12.
Variant type: single nucleotide variant.
Coding change: c.99C>T on transcript NM_153026.3 (MANE Select); coding-DNA position 99, C replaced by T.
Protein change: p.Tyr33=; no amino-acid change (tyrosine 33 retained).
Molecular consequence: synonymous variant.
Genome position (GRCh38, 1-based): chr12:42,472,418, G>A on the plus strand (C>T on the coding strand, the complement: PRICKLE1 is on the minus strand). VCF-style: chr12-42472418-G-A. GRCh37 (hg19) VCF-style: chr12-42866220-G-A.
Other names: c.99C>T, p.Tyr33= (NM_001144881.2, NM_001144882.2, NM_001144883.2).
Identifiers: ClinVar variation 699244 (VCV000699244.14), dbSNP rs764986581, ClinGen allele CA6519999.
Genomic context (GRCh38, chr12:42,472,418, plus strand): 5'-GTAAATATAGGATGATGAAGTTCCTACCTGCTCTGGTCTCAGGCCCGGGGGGACCCAGGC[G>A]TACTCCTCCAATGCACAGCCAGAGTCATCATCTGATGTGGAACTTCTCTGACAGCCAAAG-3'
Protein context (NP_694571.2, residues 23-43): DDDSGCALEE[Tyr33=]AWVPPGLRPE